The following is an entry in ClinVar:

ClinVar aggregate classification (germline): Uncertain significance. Review status: criteria provided, multiple submitters, no conflicts (2 of 4 stars). 2 submissions from 2 submitters: Uncertain significance (2). Last evaluated 2025-08-24.

Allele frequency attached by ClinVar (database versions not stated): ExAC 0.00007; gnomAD 0.00012; TOPMed 0.00012; ESP Exome Variant Server 0.00015.
gnomAD v4.1: 478 of 1,613,860 alleles (0.03%); highest among the groups gnomAD compares: Non-Finnish European, 0.038%; no homozygotes.

Submissions (2):

Ambry Genetics
Classification: Uncertain significance. Last evaluated: 2025-08-24. Review status: criteria provided, single submitter. Criteria: Ambry Variant Classification Scheme 2023. Collection method: clinical testing. Allele origin: germline.

Labcorp Genetics (formerly Invitae), Labcorp
Classification: Uncertain significance. Last evaluated: 2023-10-24. Review status: criteria provided, single submitter. Criteria: Invitae Variant Classification Sherloc (09022015). Collection method: clinical testing. Allele origin: germline.
Comment: This sequence change replaces lysine, which is basic and polar, with glutamic acid, which is acidic and polar, at codon 110 of the IARS protein (p.Lys110Glu). This variant is present in population databases (rs371571385, gnomAD 0.02%). This variant has not been reported in the literature in individuals affected with IARS-related conditions. An algorithm developed to predict the effect of missense changes on protein structure and function (PolyPhen-2) suggests that this variant¬†is likely to be tolerated. In summary, the available evidence is currently insufficient to determine the role of this variant in disease. Therefore, it has been classified as a Variant of Uncertain Significance.

NM_002161.6(IARS1):c.328A>G (p.Lys110Glu)

Gene: IARS1 (isoleucyl-tRNA synthetase 1; minus strand). Cytogenetic location: 9q22.31.
Variant type: single nucleotide variant.
Coding change: c.328A>G on transcript NM_002161.6 (MANE Select); coding-DNA position 328, A replaced by G.
Protein change: p.Lys110Glu; replaces lysine 110 with glutamic acid.
Molecular consequence: missense variant. On other transcripts: non-coding transcript variant (1).
Genome position (GRCh38, 1-based): chr9:92,287,859, T>C on the plus strand (A>G on the coding strand, the complement: IARS1 is on the minus strand). VCF-style: chr9-92287859-T-C. GRCh37 (hg19) VCF-style: chr9-95050141-T-C.
Other names: c.328A>G, p.Lys110Glu (NM_001374299.1, NM_001374300.1, NM_001374301.1 and 15 more transcripts); c.391A>G, p.Lys131Glu (NM_001378569.1); c.205A>G, p.Lys69Glu (NM_001378583.1); c.328A>G (NM_013417.2); short protein forms K131E, K110E, K69E.
Identifiers: ClinVar variation 2720690 (VCV002720690.2), dbSNP rs371571385, ClinGen allele CA5123002.